The following is an entry in ClinVar:

ClinVar aggregate classification (germline): Uncertain significance (1 of 4 stars; one submission).

Conditions:
Cerebral creatine deficiency syndrome. Also called: Creatine deficiency syndromes. Identifiers: Orphanet 79172, MedGen C5244016, MONDO:0000456.

gnomAD v4.1: 2 of 1,574,224 alleles (0.00013%); highest among the groups gnomAD compares: Non-Finnish European, 0.00017%; no homozygotes.

Submission:

Labcorp Genetics (formerly Invitae), Labcorp
Classification: Uncertain significance for Cerebral creatine deficiency syndrome. Last evaluated: 2020-07-26. Review status: criteria provided, single submitter. Criteria: Invitae Variant Classification Sherloc (09022015). Collection method: clinical testing. Allele origin: germline.
Comment: This variant is not present in population databases (ExAC no frequency). This sequence change replaces alanine with valine at codon 103 of the GAMT protein (p.Ala103Val). The alanine residue is highly conserved and there is a small physicochemical difference between alanine and valine. This variant has not been reported in the literature in individuals with GAMT-related conditions. In summary, the available evidence is currently insufficient to determine the role of this variant in disease. Therefore, it has been classified as a Variant of Uncertain Significance. Algorithms developed to predict the effect of missense changes on protein structure and function are either unavailable or do not agree on the potential impact of this missense change (SIFT: "Deleterious"; PolyPhen-2: "Benign"; Align-GVGD: "Class C0").

NM_000156.6(GAMT):c.308C>T (p.Ala103Val)

Gene: GAMT (guanidinoacetate N-methyltransferase; minus strand). Cytogenetic location: 19p13.3.
Variant type: single nucleotide variant.
Coding change: c.308C>T on transcript NM_000156.6 (MANE Select); coding-DNA position 308, C replaced by T.
Protein change: p.Ala103Val; replaces alanine 103 with valine.
Molecular consequence: missense variant.
Genome position (GRCh38, 1-based): chr19:1,399,812, G>A on the plus strand (C>T on the coding strand, the complement: GAMT is on the minus strand). VCF-style: chr19-1399812-G-A. GRCh37 (hg19) VCF-style: chr19-1399811-G-A.
Other names: c.308C>T, p.Ala103Val (NM_138924.3); short protein forms A103V.
Identifiers: ClinVar variation 1008614 (VCV001008614.9), dbSNP rs1298671907, ClinGen allele CA402996176.